The following is an entry in ClinVar:

NM_020919.4(ALS2):c.921A>G (p.Ala307=)

Gene: ALS2 (alsin Rho guanine nucleotide exchange factor ALS2; minus strand). Cytogenetic location: 2q33.1.
Variant type: single nucleotide variant.
Coding change: c.921A>G on transcript NM_020919.4 (MANE Select); coding-DNA position 921, A replaced by G.
Protein change: p.Ala307=; no amino-acid change (alanine 307 retained).
Molecular consequence: synonymous variant.
Genome position (GRCh38, 1-based): chr2:201,761,073, T>C on the plus strand (A>G on the coding strand, the complement: ALS2 is on the minus strand). VCF-style: chr2-201761073-T-C. GRCh37 (hg19) VCF-style: chr2-202625796-T-C.
Other names: c.921A>G, p.Ala307= (NM_001135745.2, NM_001410975.1).
Identifiers: ClinVar variation 5041473 (VCV005041473.1).
Genomic context (GRCh38, chr2:201,761,073, plus strand): 5'-TGTTCCCATGACATTTTGTTGAGAGGACATGGCATCGCTGCTTGTGATCTGAGCACTTAC[T>C]GCATTCAGTTCAGTAGCAACAGACTGATCATTTGCTACAAGAGTGTTCTCAAATACTTCT-3'
Protein context (NP_065970.2, residues 297-317): NDQSVATELN[Ala307=]VSAQITSSDA

ClinVar aggregate classification (germline): Uncertain significance (1 of 4 stars; one submission).

Submission:

CeGaT Center for Human Genetics Tuebingen
Classification: Uncertain significance. Last evaluated: 2026-09-01. Review status: criteria provided, single submitter. Criteria: CeGaT Center For Human Genetics Tuebingen Variant Classification Criteria Version 2. Collection method: clinical testing. Allele origin: germline. Affected: yes. Observed: 1 variant allele.
Comment: ALS2: PM2:Supporting